The following is an entry in ClinVar:

ClinVar aggregate classification (germline): Uncertain significance. Review status: criteria provided, single submitter (1 of 4 stars). 4 submissions from 4 submitters: Uncertain significance (1). 3 of the submissions do not count toward it. Last evaluated 2025-12-16.

Allele frequency attached by ClinVar (database versions not stated): gnomAD 0.00001 and 0.00002; TOPMed 0.00001; ExAC 0.00002; gnomAD exomes 0.00006; ESP Exome Variant Server 0.00008; 1000 Genomes Project 30x 0.00031; 1000 Genomes Project 0.00040.
gnomAD v4.1: 67 of 1,612,802 alleles (0.0042%); highest among the groups gnomAD compares: Middle Eastern, 0.016%; no homozygotes.

Submissions (4):

Labcorp Genetics (formerly Invitae), Labcorp
Classification: Uncertain significance. Last evaluated: 2025-12-16. Review status: criteria provided, single submitter. Criteria: Invitae Variant Classification Sherloc (09022015). Collection method: clinical testing. Allele origin: germline.
Comment: This sequence change replaces arginine, which is basic and polar, with tryptophan, which is neutral and slightly polar, at codon 752 of the TNNI3K protein (p.Arg752Trp). This variant is present in population databases (rs202017687, gnomAD 0.02%). This variant has not been reported in the literature in individuals affected with TNNI3K-related conditions. ClinVar contains an entry for this variant (Variation ID: 1284397). An algorithm developed to predict the effect of missense changes on protein structure and function (PolyPhen-2) suggests that this variant is likely to be disruptive. In summary, the available evidence is currently insufficient to determine the role of this variant in disease. Therefore, it has been classified as a Variant of Uncertain Significance.

Clinical Genetics DNA and cytogenetics Diagnostics Lab, Erasmus MC, Erasmus Medical Center
Classification: Uncertain significance. Review status: no assertion criteria provided. Collection method: clinical testing. Allele origin: germline. Affected: yes. Study: VKGL Data-share Consensus. Not counted in ClinVar's aggregate classification.

Clinical Genetics, Academic Medical Center
Classification: Uncertain significance. Review status: no assertion criteria provided. Collection method: clinical testing. Allele origin: germline. Affected: yes. Study: VKGL Data-share Consensus. Not counted in ClinVar's aggregate classification.

Diagnostic Laboratory, Department of Genetics, University Medical Center Groningen
Classification: Uncertain significance. Review status: no assertion criteria provided. Collection method: clinical testing. Allele origin: germline. Affected: yes. Study: VKGL Data-share Consensus. Not counted in ClinVar's aggregate classification.

NM_015978.3(TNNI3K):c.2254C>T (p.Arg752Trp)

Genes: FPGT-TNNI3K (FPGT-TNNI3K readthrough; plus strand), LRRC53 (leucine rich repeat containing 53; minus strand), TNNI3K (TNNI3 interacting kinase; plus strand). Cytogenetic location: 1p31.1.
Variant type: single nucleotide variant.
Coding change: c.2254C>T on transcript NM_015978.3 (MANE Select); coding-DNA position 2254, C replaced by T.
Protein change: p.Arg752Trp; replaces arginine 752 with tryptophan.
Molecular consequence: missense variant. On other transcripts: intron variant (2).
Genome position (GRCh38, 1-based): chr1:74,492,169, C>T. VCF-style: chr1-74492169-C-T. GRCh37 (hg19) VCF-style: chr1-74957853-C-T.
Other names: c.2557C>T, p.Arg853Trp (NM_001112808.3); c.-8-11201G>A (NM_001364666.2); c.-26-8794G>A (NM_001382280.1); short protein forms R752W, R853W.
Identifiers: ClinVar variation 1284397 (VCV001284397.12), dbSNP rs202017687, ClinGen allele CA909829.